The following is an entry in ClinVar:

NM_001364905.1(LRBA):c.894+5A>C

Gene: LRBA (LPS responsive beige-like anchor protein; minus strand). Cytogenetic location: 4q31.3.
Variant type: single nucleotide variant.
Coding change: c.894+5A>C on transcript NM_001364905.1 (MANE Select); 5 bases into the intron after coding-DNA position 894, A replaced by C.
Molecular consequence: intron variant.
Genome position (GRCh38, 1-based): chr4:150,916,396, T>G on the plus strand (A>C on the coding strand, the complement: LRBA is on the minus strand). VCF-style: chr4-150916396-T-G. GRCh37 (hg19) VCF-style: chr4-151837548-T-G.
Other names: c.894+5A>C (NM_001367550.1, NM_006726.5, NM_001199282.3 and 2 more transcripts).
Identifiers: ClinVar variation 1987298 (VCV001987298.3), dbSNP rs370231043, ClinGen allele CA2580071618.

ClinVar aggregate classification (germline): Uncertain significance (1 of 4 stars; one submission).

Conditions:
Combined immunodeficiency due to LRBA deficiency. Also called: Common variable immunodeficiency 8, with autoimmunity. Identifiers: Orphanet 445018, MedGen C3553512, MONDO:0013863, OMIM 614700.

Submission:

Labcorp Genetics (formerly Invitae), Labcorp
Classification: Uncertain significance for Combined immunodeficiency due to LRBA deficiency. Last evaluated: 2022-09-01. Review status: criteria provided, single submitter. Criteria: Invitae Variant Classification Sherloc (09022015). Collection method: clinical testing. Allele origin: germline.
Comment: In summary, the available evidence is currently insufficient to determine the role of this variant in disease. Therefore, it has been classified as a Variant of Uncertain Significance. Variants that disrupt the consensus splice site are a relatively common cause of aberrant splicing (PMID: 17576681, 9536098). Algorithms developed to predict the effect of sequence changes on RNA splicing suggest that this variant is not likely to affect RNA splicing. This variant has not been reported in the literature in individuals affected with LRBA-related conditions. This variant is not present in population databases (gnomAD no frequency). This sequence change falls in intron 7 of the LRBA gene. It does not directly change the encoded amino acid sequence of the LRBA protein. It affects a nucleotide within the consensus splice site.

Literature cited by the submitters: PubMed 17576681; PubMed 9536098.